The following is an entry in ClinVar:

NM_003000.3(SDHB):c.765+1G>A

Gene: SDHB (succinate dehydrogenase complex iron sulfur subunit B; minus strand). Cytogenetic location: 1p36.13.
Variant type: single nucleotide variant.
Coding change: c.765+1G>A on transcript NM_003000.3 (MANE Select); the canonical splice donor site of the intron after coding-DNA position 765, G replaced by A.
Molecular consequence: splice donor variant.
Genome position (GRCh38, 1-based): chr1:17,022,607, C>T on the plus strand (G>A on the coding strand, the complement: SDHB is on the minus strand). VCF-style: chr1-17022607-C-T. GRCh37 (hg19) VCF-style: chr1-17349102-C-T.
Other names: c.711+1G>A (NM_001407361.1).
Identifiers: ClinVar variation 1072115 (VCV001072115.8), dbSNP rs2101513511, ClinGen allele CA338269955.
Genomic context (GRCh38, chr1:17,022,607, plus strand): 5'-CACATGCTACTTCTGGCGTGTCAGCTCTGAGGCAGAGCTGAGGGTCACCAGCCCCACGTA[C>T]CTTAGGACAGGTCCTTGTGCAGTTCATGATGGTGTGGCAGCGGTATAGAGAGAATGGGTC-3'

ClinVar aggregate classification (germline): Pathogenic/Likely pathogenic. Review status: criteria provided, multiple submitters, no conflicts (2 of 4 stars). 3 submissions from 3 submitters: Pathogenic (1); Likely pathogenic (2). Last evaluated 2026-07-07.

Conditions:
Pheochromocytoma. Also called: MAX-Related Hereditary Paraganglioma-Pheochromocytoma Syndrome. Identifiers: Orphanet 29072, MedGen C0031511, MONDO:0008233, OMIM 171300, HP:0002666.
Pheochromocytoma/paraganglioma syndrome 4. Also called: CAROTID BODY TUMORS AND MULTIPLE EXTRAADRENAL PHEOCHROMOCYTOMAS; PARAGANGLIOMA, FAMILIAL MALIGNANT; PARAGANGLIOMAS, HEREDITARY EXTRAADRENAL; PHEOCHROMOCYTOMA, FAMILIAL EXTRAADRENAL; Paragangliomas 4; SDHB-Related Hereditary Paraganglioma-Pheochromocytoma Syndrome (Paragangliomas 4). Identifiers: Orphanet 29072, MedGen C1861848, MONDO:0007273, OMIM 115310.
Gastrointestinal stromal tumor. Also called: Gastrointestinal stroma tumor; Gastrointestinal stromal tumor, somatic. Identifiers: Orphanet 44890, MedGen C0238198, MeSH D046152, MONDO:0011719, OMIM 606764, HP:0100723.

Submissions (3):

Myriad Genetics, Inc.
Classification: Likely pathogenic for Pheochromocytoma/paraganglioma syndrome 4. Last evaluated: 2026-07-07. Review status: criteria provided, single submitter. Criteria: Myriad Autosomal Dominant, Autosomal Recessive and X-Linked Classification Criteria (2023). Collection method: clinical testing. Allele origin: unknown.
Comment: This variant is considered likely pathogenic. This variant occurs within a consensus splice junction and is predicted to result in abnormal mRNA splicing of either an out-of-frame exon or an in-frame exon necessary for protein stability and/or normal function.

Labcorp Genetics (formerly Invitae), Labcorp
Classification: Pathogenic for Gastrointestinal stromal tumor; Pheochromocytoma/paraganglioma syndrome 4; Pheochromocytoma. Last evaluated: 2024-09-21. Review status: criteria provided, single submitter. Criteria: Invitae Variant Classification Sherloc (09022015). Collection method: clinical testing. Allele origin: germline.
Comment: This sequence change affects a donor splice site in intron 7 of the SDHB gene. While this variant is not anticipated to result in nonsense mediated decay, it likely alters RNA splicing and results in a disrupted protein product. This variant is not present in population databases (gnomAD no frequency). Disruption of this splice site has been observed in individual(s) with paraganglioma-pheochromocytoma syndromes (PMID: 15328326). This variant is also known as 899+1G/A. ClinVar contains an entry for this variant (Variation ID: 1072115). Variants that disrupt the consensus splice site are a relatively common cause of aberrant splicing (PMID: 17576681, 9536098). Algorithms developed to predict the effect of sequence changes on RNA splicing suggest that this variant may disrupt the consensus splice site. This variant disrupts a region of the SDHB protein in which other variant(s) (p.Gly256_Val280del) have been determined to be pathogenic (internal data). This suggests that this is a clinically significant region of the protein, and that variants that disrupt it are likely to be disease-causing. For these reasons, this variant has been classified as Pathogenic.

Juno Genomics, Hangzhou Juno Genomics, Inc
Classification: Likely pathogenic for Pheochromocytoma/paraganglioma syndrome 4. Review status: criteria provided, single submitter. Criteria: ACMG Guidelines, 2015. Collection method: clinical testing. Allele origin: germline.
Comment: Absent from controls (or at extremely low frequency if recessive) in Genome Aggregation Database.;Null variant in a gene where loss of function (LOF) is a known mechanism of disease.;The prevalence of the variant in affected individuals is significantly increased compared to the prevalence in controls.;Patient's phenotype or family history is highly specific for a disease with a single genetic etiology.

Literature cited by the submitters: PubMed 15328326 (cited by Labcorp Genetics (formerly Invitae), Labcorp); PubMed 17576681 (cited by Labcorp Genetics (formerly Invitae), Labcorp); PubMed 9536098 (cited by Labcorp Genetics (formerly Invitae), Labcorp).